The following is an entry in ClinVar:

NM_000051.4(ATM):c.1044G>A (p.Leu348=)

Gene: ATM (ATM serine/threonine kinase; plus strand). Cytogenetic location: 11q22.3.
Variant type: single nucleotide variant.
Coding change: c.1044G>A on transcript NM_000051.4 (MANE Select); coding-DNA position 1044, G replaced by A.
Protein change: p.Leu348=; no amino-acid change (leucine 348 retained).
Molecular consequence: synonymous variant.
Genome position (GRCh38, 1-based): chr11:108,247,106, G>A. VCF-style: chr11-108247106-G-A. GRCh37 (hg19) VCF-style: chr11-108117833-G-A.
Other names: c.1044G>A, p.Leu348= (NM_001351834.2).
Identifiers: ClinVar variation 481275 (VCV000481275.19), dbSNP rs879254039, ClinGen allele CA476671574.

ClinVar aggregate classification (germline): Benign/Likely benign. Review status: criteria provided, multiple submitters, no conflicts (2 of 4 stars). 5 submissions from 5 submitters: Benign (1); Likely benign (4). Last evaluated 2026-01-25.

Conditions:
Hereditary cancer-predisposing syndrome. Also called: Hereditary neoplastic syndrome; Neoplastic Syndromes, Hereditary; Tumor predisposition; Hereditary Cancer Syndrome. Identifiers: Orphanet 140162, MedGen C0027672, MeSH D009386, MONDO:0015356.
Familial cancer of breast. Also called: BREAST CANCER, FAMILIAL; Hereditary breast cancer; hereditary breast carcinoma. Identifiers: Orphanet 227535, MedGen C0346153, MONDO:0016419, OMIM 114480. Disease mechanism: loss of function.
Ataxia-telangiectasia syndrome (AT). Also called: LOUIS-BAR SYNDROME; Cerebello-oculocutaneous telangiectasia; Immunodeficiency with ataxia telangiectasia; AT, COMPLEMENTATION GROUP C; Ataxia-telangiectasia, complementation group D; ATAXIA-TELANGIECTASIA, COMPLEMENTATION GROUP A. Identifiers: Orphanet 100, MedGen C0004135, MONDO:0008840, OMIM 208900.

Allele frequency attached by ClinVar (database versions not stated): gnomAD exomes below 0.00001.
gnomAD v4.1: 3 of 1,613,770 alleles (0.00019%); highest among the groups gnomAD compares: Non-Finnish European, 0.00025%; no homozygotes.

Submissions (5):

Labcorp Genetics (formerly Invitae), Labcorp
Classification: Likely benign for Ataxia-telangiectasia syndrome. Last evaluated: 2026-01-25. Review status: criteria provided, single submitter. Criteria: Invitae Variant Classification Sherloc (09022015). Collection method: clinical testing. Allele origin: germline.

Myriad Genetics, Inc.
Classification: Benign for Familial cancer of breast. Last evaluated: 2024-04-24. Review status: criteria provided, single submitter. Criteria: Myriad Autosomal Dominant, Autosomal Recessive and X-Linked Classification Criteria (2023). Collection method: clinical testing. Allele origin: unknown.
Comment: This variant is considered benign. This variant is a silent/synonymous amino acid change and it is not expected to impact splicing.

GeneDx
Classification: Likely benign. Last evaluated: 2018-02-14. Review status: criteria provided, single submitter. Criteria: GeneDx Variant Classification (06012015). Collection method: clinical testing. Allele origin: germline. Affected: yes.
Comment: This variant is considered likely benign or benign based on one or more of the following criteria: it is a conservative change, it occurs at a poorly conserved position in the protein, it is predicted to be benign by multiple in silico algorithms, and/or has population frequency not consistent with disease.

Color Diagnostics, LLC DBA Color Health
Classification: Likely benign for Hereditary cancer-predisposing syndrome. Last evaluated: 2016-12-20. Review status: criteria provided, single submitter. Criteria: ACMG Guidelines, 2015. Collection method: clinical testing. Allele origin: germline.

Ambry Genetics
Classification: Likely benign for Hereditary cancer-predisposing syndrome. Last evaluated: 2016-08-01. Review status: criteria provided, single submitter. Criteria: Ambry Variant Classification Scheme 2023. Collection method: clinical testing. Allele origin: germline.